The following is an entry in ClinVar:

NM_004309.6(ARHGDIA):c.274+14G>A

Genes: ARHGDIA (Rho GDP dissociation inhibitor alpha; minus strand), LOC130061973 (ATAC-STARR-seq lymphoblastoid silent region 9158; plus strand). Cytogenetic location: 17q25.3.
Variant type: single nucleotide variant.
Coding change: c.274+14G>A on transcript NM_004309.6 (MANE Select); 14 bases into the intron after coding-DNA position 274, G replaced by A.
Molecular consequence: intron variant. On other transcripts: synonymous variant (1).
Genome position (GRCh38, 1-based): chr17:81,869,528, C>T on the plus strand (G>A on the coding strand, the complement: ARHGDIA is on the minus strand). VCF-style: chr17-81869528-C-T. GRCh37 (hg19) VCF-style: chr17-79827404-C-T.
Other names: c.288G>A, p.Ala96= (NM_001301243.2); c.274+14G>A (NM_001185078.3, NM_001301242.2, NM_001301240.2 and 2 more transcripts).
Identifiers: ClinVar variation 1217718 (VCV001217718.22), dbSNP rs181424923, ClinGen allele CA8843358.

ClinVar aggregate classification (germline): Benign/Likely benign. Review status: criteria provided, multiple submitters, no conflicts (2 of 4 stars). 4 submissions from 4 submitters: Benign (2); Likely benign (2). Last evaluated 2026-08-01.

Allele frequency attached by ClinVar (database versions not stated): 1000 Genomes Project 0.00339; 1000 Genomes Project 30x 0.00390; gnomAD 0.00815; ESP Exome Variant Server 0.00838; gnomAD exomes 0.01126.

Submissions (4):

CeGaT Center for Human Genetics Tuebingen
Classification: Benign. Last evaluated: 2026-08-01. Review status: criteria provided, single submitter. Criteria: CeGaT Center For Human Genetics Tuebingen Variant Classification Criteria Version 2. Collection method: clinical testing. Allele origin: germline. Affected: yes. Observed: 3 variant alleles.
Comment: ARHGDIA: BP4, BP7, BS1, BS2

Labcorp Genetics (formerly Invitae), Labcorp
Classification: Benign. Last evaluated: 2026-02-01. Review status: criteria provided, single submitter. Criteria: Invitae Variant Classification Sherloc (09022015). Collection method: clinical testing. Allele origin: germline.

GeneDx
Classification: Likely benign. Last evaluated: 2019-08-20. Review status: criteria provided, single submitter. Criteria: GeneDx Variant Classification Process June 2021. Collection method: clinical testing. Allele origin: germline. Affected: yes.

Breakthrough Genomics
Classification: Likely benign. Review status: criteria provided, single submitter. Criteria: ACMG Guidelines, 2015. Collection method: not provided. Allele origin: germline. Inheritance: Autosomal recessive inheritance. Affected: yes.